The following is an entry in ClinVar:

NM_004260.4(RECQL4):c.1051_1052del (p.Gly351fs)

Gene: RECQL4 (RecQ like helicase 4; minus strand). Cytogenetic location: 8q24.3.
Variant type: Deletion.
Coding change: c.1051_1052del on transcript NM_004260.4 (MANE Select); coding-DNA positions 1051 to 1052, 2 bases deleted (GG; older notation c.1051_1052delGG).
Protein change: p.Gly351fs; shifts the reading frame from glycine 351.
Molecular consequence: frameshift variant.
Genome position (GRCh38, 1-based): chr8:144,516,067-144,516,068, CC deleted on the plus strand (GG on the coding strand, the reverse complement: RECQL4 is on the minus strand); deleting any 2 consecutive bases within chr8:144,516,067-144,516,070 gives the same sequence; the c. name uses the placement nearest the transcript's 3' end. VCF-style (leftmost placement, unchanged base first): chr8-144516066-GCC-G. GRCh37 (hg19) VCF-style: chr8-145741450-GCC-G.
Other names: c.1051_1052delGG (NM_004260.3); short protein forms G351fs.
Identifiers: ClinVar variation 658938 (VCV000658938.5), dbSNP rs1586821509, ClinGen allele CA915947400.

ClinVar aggregate classification (germline): Pathogenic (1 of 4 stars; one submission).

Conditions:
Baller-Gerold syndrome (BGS). Also called: CRANIOSYNOSTOSIS WITH RADIAL DEFECTS. Identifiers: Orphanet 1225, MedGen C0265308, MONDO:0009039, OMIM 218600.

Submission:

Labcorp Genetics (formerly Invitae), Labcorp
Classification: Pathogenic for Baller-Gerold syndrome. Last evaluated: 2018-12-04. Review status: criteria provided, single submitter. Criteria: Invitae Variant Classification Sherloc (09022015). Collection method: clinical testing. Allele origin: germline.
Comment: This sequence change creates a premature translational stop signal (p.Gly351Glnfs*20) in the RECQL4 gene. It is expected to result in an absent or disrupted protein product. This variant is not present in population databases (ExAC no frequency). This variant has not been reported in the literature in individuals with RECQL4-related conditions. Loss-of-function variants in RECQL4 are known to be pathogenic (PMID: 12734318, 12952869). For these reasons, this variant has been classified as Pathogenic.

Literature cited by the submitters: PubMed 12734318; PubMed 12952869.